The following is an entry in ClinVar:

ClinVar aggregate classification (germline): Uncertain significance. Review status: criteria provided, multiple submitters, no conflicts (2 of 4 stars). 2 submissions from 2 submitters: Uncertain significance (2). Last evaluated 2026-01-28.

Allele frequency attached by ClinVar (database versions not stated): gnomAD exomes 0.00005; ExAC 0.00008; ESP Exome Variant Server 0.00008; gnomAD 0.00009; TOPMed 0.00014; 1000 Genomes Project 30x 0.00016; 1000 Genomes Project 0.00020.
gnomAD v4.1: 90 of 1,613,974 alleles (0.0056%); highest among the groups gnomAD compares: Admixed American, 0.015%; no homozygotes.

Submissions (2):

Labcorp Genetics (formerly Invitae), Labcorp
Classification: Uncertain significance. Last evaluated: 2026-01-28. Review status: criteria provided, single submitter. Criteria: Invitae Variant Classification Sherloc (09022015). Collection method: clinical testing. Allele origin: germline.
Comment: This sequence change replaces leucine, which is neutral and non-polar, with phenylalanine, which is neutral and non-polar, at codon 3638 of the FAT2 protein (p.Leu3638Phe). This variant is present in population databases (rs184421119, gnomAD 0.06%). This variant has not been reported in the literature in individuals affected with FAT2-related conditions. ClinVar contains an entry for this variant (Variation ID: 2063126). An algorithm developed to predict the effect of missense changes on protein structure and function (PolyPhen-2) suggests that this variant is likely to be disruptive. In summary, the available evidence is currently insufficient to determine the role of this variant in disease. Therefore, it has been classified as a Variant of Uncertain Significance.

Ambry Genetics
Classification: Uncertain significance. Last evaluated: 2025-10-18. Review status: criteria provided, single submitter. Criteria: Ambry Variant Classification Scheme 2023. Collection method: clinical testing. Allele origin: germline.

NM_001447.3(FAT2):c.10912C>T (p.Leu3638Phe)

Genes: FAT2 (FAT atypical cadherin 2; minus strand), SLC36A1 (solute carrier family 36 member 1; plus strand). Cytogenetic location: 5q33.1.
Variant type: single nucleotide variant.
Coding change: c.10912C>T on transcript NM_001447.3 (MANE Select); coding-DNA position 10912, C replaced by T.
Protein change: p.Leu3638Phe; replaces leucine 3638 with phenylalanine.
Molecular consequence: missense variant.
Genome position (GRCh38, 1-based): chr5:151,521,681, G>A on the plus strand (C>T on the coding strand, the complement: FAT2 is on the minus strand). VCF-style: chr5-151521681-G-A. GRCh37 (hg19) VCF-style: chr5-150901242-G-A.
Other names: c.10912C>T (NM_001447.2); short protein forms L3638F.
Identifiers: ClinVar variation 2063126 (VCV002063126.5), dbSNP rs184421119, ClinGen allele CA3520131.